The following is an entry in ClinVar:

NM_002691.4(POLD1):c.1340A>G (p.Lys447Arg)

Gene: POLD1 (DNA polymerase delta 1, catalytic subunit; plus strand). Cytogenetic location: 19q13.33.
Variant type: single nucleotide variant.
Coding change: c.1340A>G on transcript NM_002691.4 (MANE Select); coding-DNA position 1340, A replaced by G.
Protein change: p.Lys447Arg; replaces lysine 447 with arginine.
Molecular consequence: missense variant. On other transcripts: non-coding transcript variant (1).
Genome position (GRCh38, 1-based): chr19:50,406,279, A>G. VCF-style: chr19-50406279-A-G. GRCh37 (hg19) VCF-style: chr19-50909536-A-G.
Other names: c.1340A>G, p.Lys447Arg (NM_001256849.1, NM_001308632.1); short protein forms K447R.
Identifiers: ClinVar variation 439250 (VCV000439250.4), dbSNP rs1555791135, ClinGen allele CA406979905.

ClinVar aggregate classification (germline): Uncertain significance. Review status: criteria provided, multiple submitters, no conflicts (2 of 4 stars). 2 submissions from 2 submitters: Uncertain significance (2). Last evaluated 2024-05-31.

Conditions:
POLD1-related polyposis and colorectal cancer syndrome (CRCS10). Also called: Colorectal cancer 10; COLORECTAL CANCER, SUSCEPTIBILITY TO, ON CHROMOSOME 19q; Colorectal cancer, susceptibility to, 10. Identifiers: Orphanet 220460, MedGen C2675481, MONDO:0012953, OMIM 612591.

Submissions (2):

Labcorp Genetics (formerly Invitae), Labcorp
Classification: Uncertain significance for POLD1-related polyposis and colorectal cancer syndrome. Last evaluated: 2024-05-31. Review status: criteria provided, single submitter. Criteria: Invitae Variant Classification Sherloc (09022015). Collection method: clinical testing. Allele origin: germline.
Comment: This sequence change replaces lysine, which is basic and polar, with arginine, which is basic and polar, at codon 447 of the POLD1 protein (p.Lys447Arg). This variant is not present in population databases (gnomAD no frequency). This variant has not been reported in the literature in individuals affected with POLD1-related conditions. ClinVar contains an entry for this variant (Variation ID: 439250). Advanced modeling of protein sequence and biophysical properties (such as structural, functional, and spatial information, amino acid conservation, physicochemical variation, residue mobility, and thermodynamic stability) performed at Invitae indicates that this missense variant is not expected to disrupt POLD1 protein function with a negative predictive value of 80%. In summary, the available evidence is currently insufficient to determine the role of this variant in disease. Therefore, it has been classified as a Variant of Uncertain Significance.

Quest Diagnostics Nichols Institute San Juan Capistrano
Classification: Uncertain significance. Last evaluated: 2017-04-12. Review status: criteria provided, single submitter. Criteria: Quest Diagnostics criteria. Collection method: clinical testing. Allele origin: germline.